The following is an entry in ClinVar:

ClinVar aggregate classification (germline): Uncertain significance (1 of 4 stars; one submission).

Allele frequency attached by ClinVar (database versions not stated): gnomAD exomes below 0.00001; ExAC 0.00001.
gnomAD v4.1: 6 of 1,604,784 alleles (0.00037%); highest among the groups gnomAD compares: Non-Finnish European, 0.00043%; no homozygotes.

Submission:

Labcorp Genetics (formerly Invitae), Labcorp
Classification: Uncertain significance. Last evaluated: 2022-08-05. Review status: criteria provided, single submitter. Criteria: Invitae Variant Classification Sherloc (09022015). Collection method: clinical testing. Allele origin: germline.
Comment: This variant has not been reported in the literature in individuals affected with CPLANE1-related conditions. In summary, the available evidence is currently insufficient to determine the role of this variant in disease. Therefore, it has been classified as a Variant of Uncertain Significance. Variants that disrupt the consensus splice site are a relatively common cause of aberrant splicing (PMID: 17576681, 9536098). Algorithms developed to predict the effect of sequence changes on RNA splicing suggest that this variant is not likely to affect RNA splicing. This variant is present in population databases (rs766155922, gnomAD 0.002%). This sequence change falls in intron 19 of the CPLANE1 gene. It does not directly change the encoded amino acid sequence of the CPLANE1 protein. It affects a nucleotide within the consensus splice site.

Literature cited by the submitters: PubMed 17576681; PubMed 9536098.

NM_001384732.1(CPLANE1):c.3507+6C>T

Gene: CPLANE1 (ciliogenesis and planar polarity effector complex subunit 1; minus strand). Cytogenetic location: 5p13.2.
Variant type: single nucleotide variant.
Coding change: c.3507+6C>T on transcript NM_001384732.1 (MANE Select); 6 bases into the intron after coding-DNA position 3507, C replaced by T.
Molecular consequence: intron variant.
Genome position (GRCh38, 1-based): chr5:37,201,585, G>A on the plus strand (C>T on the coding strand, the complement: CPLANE1 is on the minus strand). VCF-style: chr5-37201585-G-A. GRCh37 (hg19) VCF-style: chr5-37201687-G-A.
Other names: c.3507+6C>T (NM_023073.4).
Identifiers: ClinVar variation 2418297 (VCV002418297.6), dbSNP rs766155922, ClinGen allele CA3238940.